The following is an entry in ClinVar:

ClinVar aggregate classification (germline): Uncertain significance. Review status: criteria provided, multiple submitters, no conflicts (2 of 4 stars). 3 submissions from 3 submitters: Uncertain significance (3). Last evaluated 2024-09-15.

Conditions:
Deficiency of alpha-mannosidase (MANSA). Also called: LYSOSOMAL ALPHA-D-MANNOSIDASE DEFICIENCY; Mannosidosis, alpha-, types I and II; Alpha-Mannosidosis. Identifiers: Orphanet 61, MedGen C0024748, MONDO:0009561, OMIM 248500.
Inborn genetic diseases. Identifiers: MedGen C0950123, MeSH D030342.

Allele frequency attached by ClinVar (database versions not stated): ExAC 0.00002; gnomAD 0.00003; gnomAD exomes 0.00006; ESP Exome Variant Server 0.00008.
gnomAD v4.1: 98 of 1,613,486 alleles (0.0061%); highest among the groups gnomAD compares: Non-Finnish European, 0.0081%; no homozygotes.

Submissions (3):

Women's Health and Genetics/Laboratory Corporation of America, LabCorp
Classification: Uncertain significance. Last evaluated: 2024-09-15. Review status: criteria provided, single submitter. Criteria: LabCorp Variant Classification Summary - May 2015. Collection method: clinical testing. Allele origin: germline.

Labcorp Genetics (formerly Invitae), Labcorp
Classification: Uncertain significance for Deficiency of alpha-mannosidase. Last evaluated: 2024-03-04. Review status: criteria provided, single submitter. Criteria: Invitae Variant Classification Sherloc (09022015). Collection method: clinical testing. Allele origin: germline.
Comment: This sequence change replaces serine, which is neutral and polar, with glycine, which is neutral and non-polar, at codon 554 of the MAN2B1 protein (p.Ser554Gly). This variant is present in population databases (rs373101689, gnomAD 0.005%). This variant has not been reported in the literature in individuals affected with MAN2B1-related conditions. ClinVar contains an entry for this variant (Variation ID: 2201982). Advanced modeling of protein sequence and biophysical properties (such as structural, functional, and spatial information, amino acid conservation, physicochemical variation, residue mobility, and thermodynamic stability) performed at Invitae indicates that this missense variant is not expected to disrupt MAN2B1 protein function with a negative predictive value of 95%. In summary, the available evidence is currently insufficient to determine the role of this variant in disease. Therefore, it has been classified as a Variant of Uncertain Significance.

Ambry Genetics
Classification: Uncertain significance for Inborn genetic diseases. Last evaluated: 2022-11-23. Review status: criteria provided, single submitter. Criteria: Ambry Variant Classification Scheme 2023. Collection method: clinical testing. Allele origin: germline.

NM_000528.4(MAN2B1):c.1660A>G (p.Ser554Gly)

Gene: MAN2B1 (mannosidase alpha class 2B member 1; minus strand). Cytogenetic location: 19p13.13.
Variant type: single nucleotide variant.
Coding change: c.1660A>G on transcript NM_000528.4 (MANE Select); coding-DNA position 1660, A replaced by G.
Protein change: p.Ser554Gly; replaces serine 554 with glycine.
Molecular consequence: missense variant.
Genome position (GRCh38, 1-based): chr19:12,655,864, T>C on the plus strand (A>G on the coding strand, the complement: MAN2B1 is on the minus strand). VCF-style: chr19-12655864-T-C. GRCh37 (hg19) VCF-style: chr19-12766678-T-C.
Other names: c.1657A>G, p.Ser553Gly (NM_001173498.2); c.1660A>G (NM_000528.3); short protein forms S553G, S554G.
Identifiers: ClinVar variation 2201982 (VCV002201982.5), dbSNP rs373101689, ClinGen allele CA9226358.
Genomic context (GRCh38, chr19:12,655,864, plus strand): 5'-CCAGGGCGGGCAGTGAGGCTGAGAACAGCAGCTCCGGAGGGTGCGCCTGGCTGTCTGAGC[T>C]GGGAAATATTACCACCTCGGATAAAGGAGGAGGGAAACTGAGTCAAGAGTACCCATGGAA-3'
Protein context (NP_000519.2, residues 544-564): TVPSDVVIFP[Ser554Gly]SDSQAHPPEL